The following is an entry in ClinVar:

NM_004612.4(TGFBR1):c.797A>G (p.Asp266Gly)

Gene: TGFBR1 (transforming growth factor beta receptor 1; plus strand). Cytogenetic location: 9q22.33.
Variant type: single nucleotide variant.
Coding change: c.797A>G on transcript NM_004612.4 (MANE Select); coding-DNA position 797, A replaced by G.
Protein change: p.Asp266Gly; replaces aspartic acid 266 with glycine.
Molecular consequence: missense variant.
Genome position (GRCh38, 1-based): chr9:99,138,081, A>G. VCF-style: chr9-99138081-A-G. GRCh37 (hg19) VCF-style: chr9-101900363-A-G.
Other names: p.D266G:GAC>GGC; c.566A>G, p.Asp189Gly (NM_001130916.3); c.809A>G, p.Asp270Gly (NM_001306210.2); c.797A>G (NM_004612.3); short protein forms D266G, D270G, D189G.
Identifiers: ClinVar variation 213884 (VCV000213884.4), dbSNP rs863223819, ClinGen allele CA322019.

ClinVar aggregate classification (germline): Pathogenic/Likely pathogenic. Review status: criteria provided, multiple submitters, no conflicts (2 of 4 stars). 3 submissions from 3 submitters: Pathogenic (2); Likely pathogenic (1). Last evaluated 2021-04-12.

Conditions:
Loeys-Dietz syndrome 1 (LDS1). Also called: FURLONG SYNDROME; AORTIC ANEURYSM, FAMILIAL THORACIC 5; TGFBR1-Related Loeys-Dietz Syndrome. Identifiers: Orphanet 60030, MedGen C4551955, MONDO:0012212, OMIM 609192.

Submissions (3):

Baylor Genetics
Classification: Likely pathogenic for Loeys-Dietz syndrome 1. Last evaluated: 2021-04-12. Review status: criteria provided, single submitter. Criteria: ACMG Guidelines, 2015. Collection method: clinical testing. Allele origin: unknown.

GeneDx
Classification: Pathogenic. Last evaluated: 2014-12-04. Review status: criteria provided, single submitter. Criteria: GeneDx Variant Classification (06012015). Collection method: clinical testing. Allele origin: germline. Affected: yes.
Comment: p.Asp266Gly (GAC>GGC): c.797 A>G in exon 4 of the TGFBR1 gene (NM_004612.2) The D266G mutation in the TGFBR1 gene has been reported previously in one individual with a diagnosis of LDS (Sakai H et al., 2012). D266G results in a non-conservative amino acid substitution at a position that is highly conserved in vertebrates. A mutation in this residue (D266Y) and in a nearby residue (N267H) have been reported in association with LDS, further supporting the functional importance of this region of the protein. Furthermore, the D266G mutation was not observed in approximately 6,500 individuals of European and African American ancestry in the NHLBI Exome Sequencing Project, indicating it is not a common benign variant in these populations. This variant was found in TAADV2-1,TGFBR1

Clinical Genetics Service, Universitary Hospital 12 de Octubre
Classification: Pathogenic for Loeys-Dietz syndrome 1. Review status: criteria provided, single submitter. Criteria: ACMG Guidelines, 2015. Collection method: clinical testing. Allele origin: paternal. Affected: yes.